The following is an entry in ClinVar:

NM_004415.4(DSP):c.597+1G>A

Gene: DSP (desmoplakin; plus strand). Cytogenetic location: 6p24.3.
Variant type: single nucleotide variant.
Coding change: c.597+1G>A on transcript NM_004415.4 (MANE Select); the canonical splice donor site of the intron after coding-DNA position 597, G replaced by A.
Molecular consequence: splice donor variant.
Genome position (GRCh38, 1-based): chr6:7,559,401, G>A. VCF-style: chr6-7559401-G-A. GRCh37 (hg19) VCF-style: chr6-7559634-G-A.
Other names: c.597+1G>A (NM_001319034.2, NM_001008844.3, NM_001406591.1).
Identifiers: ClinVar variation 1470918 (VCV001470918.6), dbSNP rs2113660108, ClinGen allele CA362672890.

ClinVar aggregate classification (germline): Likely pathogenic (1 of 4 stars; one submission).

Conditions:
Arrhythmogenic right ventricular dysplasia 8 (ARVD8). Also called: Arrhythmogenic Right Ventricular Dysplasia/Cardiomyopathy 8; ARRHYTHMOGENIC RIGHT VENTRICULAR DYSPLASIA, FAMILIAL, 8; ARRHYTHMOGENIC RIGHT VENTRICULAR CARDIOMYOPATHY 8. Identifiers: MedGen C1843896, MONDO:0011831, OMIM 607450.
Arrhythmogenic cardiomyopathy with wooly hair and keratoderma. Also called: Carvajal syndrome; Dilated cardiomyopathy with woolly hair and keratoderma; Arrhythmogenic cardiomyopathy with woolly hair and keratoderma; PALMOPLANTAR KERATODERMA WITH LEFT VENTRICULAR CARDIOMYOPATHY AND WOOLLY HAIR. Identifiers: Orphanet 65282, MedGen C1854063, MONDO:0011581, OMIM 605676.

Submission:

Labcorp Genetics (formerly Invitae), Labcorp
Classification: Likely pathogenic for Arrhythmogenic cardiomyopathy with wooly hair and keratoderma; Arrhythmogenic right ventricular dysplasia 8. Last evaluated: 2021-09-23. Review status: criteria provided, single submitter. Criteria: Invitae Variant Classification Sherloc (09022015). Collection method: clinical testing. Allele origin: germline.
Comment: In summary, the currently available evidence indicates that the variant is pathogenic, but additional data are needed to prove that conclusively. Therefore, this variant has been classified as Likely Pathogenic. Algorithms developed to predict the effect of sequence changes on RNA splicing suggest that this variant may disrupt the consensus splice site. This variant has not been reported in the literature in individuals affected with DSP-related conditions. This variant is not present in population databases (ExAC no frequency). This sequence change affects a donor splice site in intron 4 of the DSP gene. It is expected to disrupt RNA splicing. Variants that disrupt the donor or acceptor splice site typically lead to a loss of protein function (PMID: 16199547), and loss-of-function variants in DSP are known to be pathogenic (PMID: 20716751, 24503780, 25227139).

Literature cited by the submitters: PubMed 16199547; PubMed 20716751; PubMed 24503780; PubMed 25227139.